The following is an entry in ClinVar:

NM_000126.4(ETFA):c.540C>T (p.Gly180=)

Gene: ETFA (electron transfer flavoprotein subunit alpha; minus strand). Cytogenetic location: 15q24.2.
Variant type: single nucleotide variant.
Coding change: c.540C>T on transcript NM_000126.4 (MANE Select); coding-DNA position 540, C replaced by T.
Protein change: p.Gly180=; no amino-acid change (glycine 180 retained).
Molecular consequence: synonymous variant.
Genome position (GRCh38, 1-based): chr15:76,286,393, G>A on the plus strand (C>T on the coding strand, the complement: ETFA is on the minus strand). VCF-style: chr15-76286393-G-A. GRCh37 (hg19) VCF-style: chr15-76578734-G-A.
Other names: c.540C>T (NM_000126.3); c.393C>T, p.Gly131= (NM_001127716.2).
Identifiers: ClinVar variation 1146155 (VCV001146155.11), dbSNP rs146133196, ClinGen allele CA7673741.

ClinVar aggregate classification (germline): Likely benign. Review status: criteria provided, multiple submitters, no conflicts (2 of 4 stars). 3 submissions from 3 submitters: Likely benign (3). Last evaluated 2026-01-12.

Conditions:
ETFA-related disorder. Also called: ETFA-related condition.
Multiple acyl-CoA dehydrogenase deficiency (MADD). Also called: ETHYLMALONIC-ADIPICACIDURIA; Glutaric acidemia type II; GA 2; Glutaric aciduria, type 2; Glutaric Acidemia type 2; GA II. Identifiers: Orphanet 26791, MedGen C0268596, MONDO:0009282, OMIM 231680.

Allele frequency attached by ClinVar (database versions not stated): ExAC 0.00003; ESP Exome Variant Server 0.00008.
gnomAD v4.1: 25 of 1,611,258 alleles (0.0016%); highest among the groups gnomAD compares: South Asian, 0.0033%; no homozygotes.

Submissions (3):

Labcorp Genetics (formerly Invitae), Labcorp
Classification: Likely benign for Multiple acyl-CoA dehydrogenase deficiency. Last evaluated: 2026-01-12. Review status: criteria provided, single submitter. Criteria: Invitae Variant Classification Sherloc (09022015). Collection method: clinical testing. Allele origin: germline.

PreventionGenetics, part of Exact Sciences
Classification: Likely benign for ETFA-related condition. Last evaluated: 2025-01-28. Review status: criteria provided, single submitter. Criteria: ACMG Guidelines, 2015. Collection method: clinical testing. Allele origin: germline.
Comment: This variant is classified as likely benign based on ACMG/AMP sequence variant interpretation guidelines (Richards et al. 2015 PMID: 25741868, with internal and published modifications).

Blueprint Genetics
Classification: Likely benign. Last evaluated: 2024-07-05. Review status: criteria provided, single submitter. Criteria: ACMG Guidelines, 2015. Collection method: clinical testing. Allele origin: germline.